The following is an entry in ClinVar:

ClinVar aggregate classification (germline): Uncertain significance. Review status: criteria provided, multiple submitters, no conflicts (2 of 4 stars). 4 submissions from 3 submitters: Uncertain significance (4). Last evaluated 2019-10-28.

Conditions:
Autosomal recessive multiple pterygium syndrome. Also called: MULTIPLE PTERYGIUM SYNDROME, ESCOBAR VARIANT; PTERYGIUM COLLI SYNDROME; PTERYGIUM SYNDROME; PTERYGIUM UNIVERSALE. Identifiers: Orphanet 2990, MedGen C0265261, MONDO:0009926, OMIM 265000.
Lethal multiple pterygium syndrome (LMPS). Identifiers: Orphanet 33108, MedGen C1854678, MONDO:0009668, OMIM 253290.

Allele frequency attached by ClinVar (database versions not stated): gnomAD 0.00001; gnomAD exomes 0.00001; TOPMed 0.00001; ExAC 0.00002.
gnomAD v4.1: 9 of 1,611,728 alleles (0.00056%); highest among the groups gnomAD compares: Non-Finnish European, 0.00076%; no homozygotes.

Submissions (4):

Centre for Mendelian Genomics, University Medical Centre Ljubljana
Classification: Uncertain significance for Autosomal recessive multiple pterygium syndrome. Last evaluated: 2019-10-28. Review status: criteria provided, single submitter. Criteria: ACMG Guidelines, 2015. Collection method: clinical testing. Allele origin: unknown. Affected: yes.
Comment: This variant was classified as: Uncertain significance. The available evidence favors the pathogenic nature of this variant, however the currently available data is insufficient to conclusively support its pathogenic nature. Thus this variant is classified as Uncertain significance - favor pathogenic. The following ACMG criteria were applied in classifying this variant: PM2,PM3,PP3.

Illumina Laboratory Services, Illumina
Classification: Uncertain significance for Lethal multiple pterygium syndrome. Last evaluated: 2018-01-13. Review status: criteria provided, single submitter. Criteria: ICSL Variant Classification Criteria 13 December 2019. Collection method: clinical testing. Allele origin: germline.

Illumina Laboratory Services, Illumina
Classification: Uncertain significance for Autosomal recessive multiple pterygium syndrome. Last evaluated: 2018-01-13. Review status: criteria provided, single submitter. Criteria: ICSL Variant Classification Criteria 13 December 2019. Collection method: clinical testing. Allele origin: germline.

Molecular Diagnostics Lab, Nemours Children's Health, Delaware
Classification: Uncertain significance for Autosomal recessive multiple pterygium syndrome. Last evaluated: 2016-01-04. Review status: criteria provided, single submitter. Criteria: ACMG Guidelines, 2015. Collection method: clinical testing. Allele origin: unknown. Affected: yes. Observed: 1 heterozygote.

Literature cited by the submitters: PubMed 16826531 (cited by Molecular Diagnostics Lab, Nemours Children's Health, Delaware).

NM_005199.5(CHRNG):c.250G>A (p.Asp84Asn)

Gene: CHRNG (cholinergic receptor nicotinic gamma subunit; plus strand). Cytogenetic location: 2q37.1.
Variant type: single nucleotide variant.
Coding change: c.250G>A on transcript NM_005199.5 (MANE Select); coding-DNA position 250, G replaced by A.
Protein change: p.Asp84Asn; replaces aspartic acid 84 with asparagine.
Molecular consequence: missense variant.
Genome position (GRCh38, 1-based): chr2:232,540,611, G>A. VCF-style: chr2-232540611-G-A. GRCh37 (hg19) VCF-style: chr2-233405321-G-A.
Other names: short protein forms D84N.
Identifiers: ClinVar variation 433175 (VCV000433175.11), dbSNP rs771588131, ClinGen allele CA2168585.
Genomic context (GRCh38, chr2:232,540,611, plus strand): 5'-GCTGTGGTGCAGCAGAGGGCAGAGGCCTAGCAACTGCCCCTCCCCCTGCAGCAGTGGTGC[G>A]ACTATCGCCTGCGCTGGGATCCGCGAGACTACGAAGGCCTGTGGGTGCTGAGGGTGCCGT-3'
Protein context (NP_005190.4, residues 74-94): TNVWIEMQWC[Asp84Asn]YRLRWDPRDY